The following is an entry in ClinVar:

NM_007254.4(PNKP):c.745-99C>A

Gene: PNKP (polynucleotide kinase 3'-phosphatase; minus strand). Cytogenetic location: 19q13.33.
Variant type: single nucleotide variant.
Coding change: c.745-99C>A on transcript NM_007254.4 (MANE Select); 99 bases into the intron before coding-DNA position 745, C replaced by A.
Molecular consequence: intron variant.
Genome position (GRCh38, 1-based): chr19:49,863,859, G>T on the plus strand (C>A on the coding strand, the complement: PNKP is on the minus strand). VCF-style: chr19-49863859-G-T. GRCh37 (hg19) VCF-style: chr19-50367116-G-T.
Identifiers: ClinVar variation 678422 (VCV000678422.1), dbSNP rs3739189, ClinGen allele CA309496463.

ClinVar aggregate classification (germline): Likely benign (1 of 4 stars; one submission).

Allele frequency attached by ClinVar (database versions not stated): 1000 Genomes Project 30x 0.00593; 1000 Genomes Project 0.00599; gnomAD 0.00633 and 0.00692; TOPMed 0.00783.
gnomAD v4.1: 1,779 of 1,359,730 alleles (0.13%); highest among the groups gnomAD compares: African/African-American, 2.1%; 16 homozygotes.

Submission:

GeneDx
Classification: Likely benign. Last evaluated: 2018-06-19. Review status: criteria provided, single submitter. Criteria: GeneDx Variant Classification (06012015). Collection method: clinical testing. Allele origin: germline. Affected: yes.
Comment: This variant is considered likely benign or benign based on one or more of the following criteria: it is a conservative change, it occurs at a poorly conserved position in the protein, it is predicted to be benign by multiple in silico algorithms, and/or has population frequency not consistent with disease.